The following is an entry in ClinVar:

ClinVar aggregate classification (germline): Conflicting classifications of pathogenicity. Review status: criteria provided, conflicting classifications (1 of 4 stars). 6 submissions from 6 submitters: Uncertain significance (1); Likely benign (4). 1 of the submissions does not count toward it. Last evaluated 2025-07-28.

Conditions:
POLG-related disorder. Also called: POLG-Related Spectrum Disorders; POLG-related condition; POLG-Related Disorders. Identifiers: MedGen C4763519.
Progressive sclerosing poliodystrophy (MTDPS4A). Also called: Mitochondrial DNA depletion syndrome 4A (Alpers type); Mitochondrial DNA Depletion Syndrome 4A; Alpers-Huttenlocher Syndrome (AHS); Alpers Syndrome; ALPERS PROGRESSIVE INFANTILE POLIODYSTROPHY; ALPERS DIFFUSE DEGENERATION OF CEREBRAL GRAY MATTER WITH HEPATIC CIRRHOSIS. Identifiers: Orphanet 726, MedGen C0205710, MONDO:0008758, OMIM 203700.

Allele frequency attached by ClinVar (database versions not stated): TOPMed 0.00002; ExAC 0.00003; gnomAD 0.00003 and 0.00004; gnomAD exomes 0.00003 and 0.00006.
gnomAD v4.1: 95 of 1,614,058 alleles (0.0059%); highest among the groups gnomAD compares: Non-Finnish European, 0.0076%; no homozygotes.

Submissions (6):

Labcorp Genetics (formerly Invitae), Labcorp
Classification: Likely benign for Progressive sclerosing poliodystrophy. Last evaluated: 2025-07-28. Review status: criteria provided, single submitter. Criteria: Invitae Variant Classification Sherloc (09022015). Collection method: clinical testing. Allele origin: germline.

CeGaT Center for Human Genetics Tuebingen
Classification: Likely benign. Last evaluated: 2025-06-01. Review status: criteria provided, single submitter. Criteria: CeGaT Center For Human Genetics Tuebingen Variant Classification Criteria Version 2. Collection method: clinical testing. Allele origin: germline. Affected: yes. Observed: 1 variant allele.
Comment: POLG: BP4, BP7

Wong Mito Lab, Molecular and Human Genetics, Baylor College of Medicine
Classification: Likely benign for Progressive sclerosing poliodystrophy. Last evaluated: 2018-10-01. Review status: criteria provided, single submitter. Criteria: ACMG Guidelines, 2015. Collection method: clinical testing. Allele origin: germline.
Comment: The NM_002693.2:c.3222G>T (NP_002684.1:p.Val1074=) [GRCH38: NC_000015.10:g.89318982C>A] variant in POLG gene is interpretated to be a Likely Benign based on ACMG guidelines (PMID: 25741868). This variant meets the following evidence codes reported in the ACMG-guideline. BP4:Computational evidence/predictors indicate no impact on the POLG structure, function, or protein-protein interaction. BP7:The variant is silent with non predicted splice impact. Based on the evidence criteria codes applied, the variant is suggested to be Likely Benign.

Eurofins Ntd Llc (ga)
Classification: Uncertain significance. Last evaluated: 2018-08-14. Review status: criteria provided, single submitter. Criteria: EGL ClinVar v180209 classification definitions. Collection method: clinical testing. Allele origin: germline. Observed: 1 variant allele, 1 heterozygote.

GeneDx
Classification: Likely benign. Last evaluated: 2017-12-29. Review status: criteria provided, single submitter. Criteria: GeneDx Variant Classification (06012015). Collection method: clinical testing. Allele origin: germline. Affected: yes.
Comment: This variant is considered likely benign or benign based on one or more of the following criteria: it is a conservative change, it occurs at a poorly conserved position in the protein, it is predicted to be benign by multiple in silico algorithms, and/or has population frequency not consistent with disease.

PreventionGenetics, part of Exact Sciences
Classification: Likely benign for POLG-related condition. Last evaluated: 2020-05-15. Review status: no assertion criteria provided. Collection method: clinical testing. Allele origin: germline. Not counted in ClinVar's aggregate classification.
Comment: This variant is classified as likely benign based on ACMG/AMP sequence variant interpretation guidelines (Richards et al. 2015 PMID: 25741868, with internal and published modifications).

NM_002693.3(POLG):c.3222G>T (p.Val1074=)

Gene: POLG (DNA polymerase gamma, catalytic subunit; minus strand). Cytogenetic location: 15q26.1.
Variant type: single nucleotide variant.
Coding change: c.3222G>T on transcript NM_002693.3 (MANE Select); coding-DNA position 3222, G replaced by T.
Protein change: p.Val1074=; no amino-acid change (valine 1074 retained).
Molecular consequence: synonymous variant.
Genome position (GRCh38, 1-based): chr15:89,318,982, C>A on the plus strand (G>T on the coding strand, the complement: POLG is on the minus strand). VCF-style: chr15-89318982-C-A. GRCh37 (hg19) VCF-style: chr15-89862213-C-A.
Other names: c.3222G>T, p.Val1074= (NM_001126131.2).
Identifiers: ClinVar variation 514380 (VCV000514380.26), dbSNP rs746773616, ClinGen allele CA7724205.